The following is an entry in ClinVar:

ClinVar aggregate classification (germline): Uncertain significance (1 of 4 stars; one submission).

Allele frequency attached by ClinVar (database versions not stated): ExAC 0.00003; gnomAD 0.00005; TOPMed 0.00006; ESP Exome Variant Server 0.00008.
gnomAD v4.1: 66 of 1,610,738 alleles (0.0041%); highest among the groups gnomAD compares: Non-Finnish European, 0.0051%; no homozygotes.

Submission:

Labcorp Genetics (formerly Invitae), Labcorp
Classification: Uncertain significance. Last evaluated: 2024-09-27. Review status: criteria provided, single submitter. Criteria: Invitae Variant Classification Sherloc (09022015). Collection method: clinical testing. Allele origin: germline.
Comment: This sequence change replaces alanine, which is neutral and non-polar, with threonine, which is neutral and polar, at codon 181 of the DVL1 protein (p.Ala181Thr). This variant is present in population databases (rs150591074, gnomAD 0.008%). This variant has not been reported in the literature in individuals affected with DVL1-related conditions. Invitae Evidence Modeling of protein sequence and biophysical properties (such as structural, functional, and spatial information, amino acid conservation, physicochemical variation, residue mobility, and thermodynamic stability) indicates that this missense variant is not expected to disrupt DVL1 protein function with a negative predictive value of 80%. In summary, the available evidence is currently insufficient to determine the role of this variant in disease. Therefore, it has been classified as a Variant of Uncertain Significance.

NM_001330311.2(DVL1):c.541G>A (p.Ala181Thr)

Gene: DVL1 (dishevelled segment polarity protein 1; minus strand). Cytogenetic location: 1p36.33.
Variant type: single nucleotide variant.
Coding change: c.541G>A on transcript NM_001330311.2 (MANE Select); coding-DNA position 541, G replaced by A.
Protein change: p.Ala181Thr; replaces alanine 181 with threonine.
Molecular consequence: missense variant.
Genome position (GRCh38, 1-based): chr1:1,341,731, C>T on the plus strand (G>A on the coding strand, the complement: DVL1 is on the minus strand). VCF-style: chr1-1341731-C-T. GRCh37 (hg19) VCF-style: chr1-1277111-C-T.
Other names: c.541G>A, p.Ala181Thr (NM_004421.3); short protein forms A181T.
Identifiers: ClinVar variation 2757806 (VCV002757806.2), dbSNP rs150591074, ClinGen allele CA520627.